The following is an entry in ClinVar:

NM_001606.5(ABCA2):c.7238C>T (p.Thr2413Met)

Gene: ABCA2 (ATP binding cassette subfamily A member 2; minus strand). Cytogenetic location: 9q34.3.
Variant type: single nucleotide variant.
Coding change: c.7238C>T on transcript NM_001606.5 (MANE Select); coding-DNA position 7238, C replaced by T.
Protein change: p.Thr2413Met; replaces threonine 2413 with methionine.
Molecular consequence: missense variant.
Genome position (GRCh38, 1-based): chr9:137,008,453, G>A on the plus strand (C>T on the coding strand, the complement: ABCA2 is on the minus strand). VCF-style: chr9-137008453-G-A. GRCh37 (hg19) VCF-style: chr9-139902905-G-A.
Other names: c.7235C>T, p.Thr2412Met (NM_001411042.1); c.7328C>T, p.Thr2443Met (NM_212533.3); short protein forms T2412M, T2413M, T2443M.
Identifiers: ClinVar variation 2580626 (VCV002580626.1), dbSNP rs752499286, ClinGen allele CA5353248.

ClinVar aggregate classification (germline): Uncertain significance (1 of 4 stars; one submission).

Allele frequency attached by ClinVar (database versions not stated): gnomAD exomes 0.00002; gnomAD 0.00003; TOPMed 0.00003.
gnomAD v4.1: 29 of 1,557,942 alleles (0.0019%); highest among the groups gnomAD compares: Non-Finnish European, 0.0023%; no homozygotes.

Submission:

GeneDx
Classification: Uncertain significance. Last evaluated: 2023-03-22. Review status: criteria provided, single submitter. Criteria: GeneDx Variant Classification Process June 2021. Collection method: clinical testing. Allele origin: germline. Affected: yes.
Comment: In silico analysis supports that this missense variant does not alter protein structure/function; Has not been previously published as pathogenic or benign to our knowledge